The following is an entry in ClinVar:

ClinVar aggregate classification (germline): Uncertain significance (1 of 4 stars; one submission).

Conditions:
Developmental and epileptic encephalopathy 108 (DEE108). Identifiers: MedGen C5774253, MONDO:0859314, OMIM 620115.

gnomAD v4.1: 6 of 1,570,988 alleles (0.00038%); highest among the groups gnomAD compares: East Asian, 0.0023%; no homozygotes.

Submission:

Diagnostics Services (NGS), CSIR - Centre For Cellular And Molecular Biology
Classification: Uncertain significance for Developmental and epileptic encephalopathy 108. Last evaluated: 2025-11-07. Review status: criteria provided, single submitter. Criteria: ACMG Guidelines, 2015. Collection method: clinical testing. Allele origin: germline. Affected: yes. Observed: 1 variant allele, 1 heterozygote.
Comment: The c.3211C>T variant is not present in publicly available population databases like 1000 Genomes, EVS, Indian Exome Database or our internal database. This variant is present in gnomAD at a low frequency. This variant has neither been published in the literature for MAST3-related conditions nor reported to the clinical databases like Human genome Mutation Database (HGMD), OMIM, or ClinVar, in any affected individuals. In-silico pathogenicity prediction programs like SIFT, Polyphen-2, MutationTaster2, CADD, etc predicted this variant to be likely deleterious, however these predictions were not confirmed by published functional studies.

NM_001393504.1(MAST3):c.3298C>T (p.Arg1100Trp)

Gene: MAST3 (microtubule associated serine/threonine kinase 3; plus strand). Cytogenetic location: 19p13.11.
Variant type: single nucleotide variant.
Coding change: c.3298C>T on transcript NM_001393504.1 (MANE Select); coding-DNA position 3298, C replaced by T.
Protein change: p.Arg1100Trp; replaces arginine 1100 with tryptophan.
Molecular consequence: missense variant.
Genome position (GRCh38, 1-based): chr19:18,147,016, C>T. VCF-style: chr19-18147016-C-T. GRCh37 (hg19) VCF-style: chr19-18257826-C-T.
Other names: c.3322C>T, p.Arg1108Trp (NM_001393501.1); c.3301C>T, p.Arg1101Trp (NM_001393502.1); c.3298C>T, p.Arg1100Trp (NM_001393503.1); c.3295C>T, p.Arg1099Trp (NM_001393505.1); c.3250C>T, p.Arg1084Trp (NM_001393506.1, NM_001393513.1); c.3277C>T, p.Arg1093Trp (NM_001393507.1); c.3232C>T, p.Arg1078Trp (NM_001393508.1, NM_001393516.1); c.3229C>T, p.Arg1077Trp (NM_001393509.1, NM_001393510.1, NM_001393512.1 and 2 more transcripts); and 4 more; short protein forms R1062W, R1070W, R1071W, R1076W, R1077W, R1078W, R1084W, R1093W.
Identifiers: ClinVar variation 4533268 (VCV004533268.1).